The following is an entry in ClinVar:

ClinVar aggregate classification (germline): Benign. Review status: criteria provided, multiple submitters, no conflicts (2 of 4 stars). 6 submissions from 5 submitters: Benign (5). 1 of the submissions does not count toward it. Last evaluated 2026-02-01.

Conditions:
Retinitis pigmentosa (RP). Identifiers: Orphanet 791, MedGen C0035334, MeSH D012174, MONDO:0019200, OMIM 268000. Inheritance: Autosomal dominant, autosomal recessive and X linked inheritance.
Retinal dystrophy. Also called: Inherited retinal dystrophy. Identifiers: Orphanet 71862, MedGen C0854723, MeSH D058499, MONDO:0019118, HP:0000556.
Goldmann-Favre syndrome. Identifiers: Orphanet 53540, MedGen C0339541, MONDO:0100289.
Enhanced S-cone syndrome (ESCS). Identifiers: Orphanet 53540, MedGen C1849394, MONDO:0100288, MONDO:0009989.

Allele frequency attached by ClinVar (database versions not stated): ESP Exome Variant Server 0.00008; gnomAD 0.00083 and 0.00089; ExAC 0.00173; TOPMed 0.00192; gnomAD exomes 0.00227; 1000 Genomes Project 0.00280; 1000 Genomes Project 30x 0.00344.

Submissions (6):

Labcorp Genetics (formerly Invitae), Labcorp
Classification: Benign. Last evaluated: 2026-02-01. Review status: criteria provided, single submitter. Criteria: Invitae Variant Classification Sherloc (09022015). Collection method: clinical testing. Allele origin: germline.

Dept Of Ophthalmology, Nagoya University
Classification: Benign for Retinal dystrophy. Last evaluated: 2023-10-01. Review status: criteria provided, single submitter. Criteria: Submitter's publication. Collection method: research. Allele origin: germline. Affected: yes.

Illumina Laboratory Services, Illumina
Classification: Benign for ENHANCED S-CONE SYNDROME 1. Last evaluated: 2018-01-13. Review status: criteria provided, single submitter. Criteria: ICSL Variant Classification Criteria 13 December 2019. Collection method: clinical testing. Allele origin: germline.
Comment: This variant was observed in the ICSL laboratory as part of a predisposition screen in an ostensibly healthy population. It had not been previously curated by ICSL or reported in the Human Gene Mutation Database (HGMD: prior to June 1st, 2018), and was therefore a candidate for classification through an automated scoring system. Utilizing variant allele frequency, disease prevalence and penetrance estimates, and inheritance mode, an automated score was calculated to assess if this variant is too frequent to cause the disease. Based on the score and internal cut-off values, a variant classified as benign is not then subjected to further curation. The score for this variant resulted in a classification of benign for this disease.

Illumina Laboratory Services, Illumina
Classification: Benign for Retinitis pigmentosa. Last evaluated: 2018-01-13. Review status: criteria provided, single submitter. Criteria: ICSL Variant Classification Criteria 13 December 2019. Collection method: clinical testing. Allele origin: germline.
Comment: the same text as in the submission from Illumina Laboratory Services, Illumina above.

Eurofins Ntd Llc (ga)
Classification: Benign. Last evaluated: 2015-05-14. Review status: criteria provided, single submitter. Criteria: EGL Classification Definitions 2015. Collection method: clinical testing. Allele origin: germline. Observed: 1 variant allele, 1 heterozygote.

Natera, Inc.
Classification: Benign for Goldmann-Favre syndrome. Last evaluated: 2020-09-16. Review status: no assertion criteria provided. Collection method: clinical testing. Allele origin: germline. Not counted in ClinVar's aggregate classification.

NM_014249.4(NR2E3):c.900G>A (p.Thr300=)

Gene: NR2E3 (nuclear receptor subfamily 2 group E member 3; plus strand). Cytogenetic location: 15q23.
Variant type: single nucleotide variant.
Coding change: c.900G>A on transcript NM_014249.4 (MANE Select); coding-DNA position 900, G replaced by A.
Protein change: p.Thr300=; no amino-acid change (threonine 300 retained).
Molecular consequence: synonymous variant.
Genome position (GRCh38, 1-based): chr15:71,813,541, G>A. VCF-style: chr15-71813541-G-A. GRCh37 (hg19) VCF-style: chr15-72105881-G-A.
Other names: c.900G>A, p.Thr300= (NM_016346.4).
Identifiers: ClinVar variation 317020 (VCV000317020.22), dbSNP rs184906734, ClinGen allele CA7640426.